The following is an entry in ClinVar:

ClinVar aggregate classification (germline): Uncertain significance (1 of 4 stars; one submission).

Submission:

GeneDx
Classification: Uncertain significance. Last evaluated: 2024-07-02. Review status: criteria provided, single submitter. Criteria: GeneDx Variant Classification Process June 2021. Collection method: clinical testing. Allele origin: germline.
Comment: Apparently de novo variant in a patient with autism spectrum disorder; however, this individual also harbors de novo variants in several other genes (PMID: 35982160); Frameshift variant predicted to result in protein truncation or nonsense mediated decay in a gene or region of a gene for which loss of function is not a well-established mechanism of disease; Variants in candidate genes are classified as variants of uncertain significance in accordance with ACMG guidelines (PMID: 25741868); This variant is associated with the following publications: (PMID: 35982160)

NM_002332.3(LRP1):c.12575dup (p.Asp4193fs)

Gene: LRP1 (LDL receptor related protein 1; plus strand). Cytogenetic location: 12q13.3.
Variant type: Duplication.
Coding change: c.12575dup on transcript NM_002332.3 (MANE Select); coding-DNA position 12575, one base duplicated (C; older notation c.12575dupC).
Protein change: p.Asp4193fs; shifts the reading frame from aspartic acid 4193.
Molecular consequence: frameshift variant.
Genome position (GRCh38, 1-based): chr12:57,210,164, C duplicated; the last of 8 consecutive C bases (chr12:57,210,157-57,210,164); duplicating any one gives the same sequence. VCF-style (leftmost placement, unchanged base first): chr12-57210156-G-GC. GRCh37 (hg19) VCF-style: chr12-57603939-G-GC.
Other names: short protein forms D4193fs.
Identifiers: ClinVar variation 4976682 (VCV004976682.1).
Genomic context (GRCh38, chr12:57,210,156, plus strand): 5'-CACCTGTCCCAATGGGAAGCGGCTGGACAACGGCACATGCGTGCCTGTGCCCTCTCCAAC[G>GC]CCCCCCCCAGATGGTATGCTTATGCCCTCCCAGTCCCAGCCATGCCTCAGGACCATCTCC-3'